The following is an entry in ClinVar:

ClinVar aggregate classification (germline): Uncertain significance (1 of 4 stars; one submission).

Submission:

Labcorp Genetics (formerly Invitae), Labcorp
Classification: Uncertain significance. Last evaluated: 2024-02-18. Review status: criteria provided, single submitter. Criteria: Invitae Variant Classification Sherloc (09022015). Collection method: clinical testing. Allele origin: germline.
Comment: This sequence change replaces isoleucine, which is neutral and non-polar, with threonine, which is neutral and polar, at codon 685 of the DNA2 protein (p.Ile685Thr). This variant is not present in population databases (gnomAD no frequency). This variant has not been reported in the literature in individuals affected with DNA2-related conditions. Advanced modeling of protein sequence and biophysical properties (such as structural, functional, and spatial information, amino acid conservation, physicochemical variation, residue mobility, and thermodynamic stability) performed at Invitae indicates that this missense variant is expected to disrupt DNA2 protein function with a positive predictive value of 80%. In summary, the available evidence is currently insufficient to determine the role of this variant in disease. Therefore, it has been classified as a Variant of Uncertain Significance.

NM_001080449.3(DNA2):c.2054T>C (p.Ile685Thr)

Gene: DNA2 (DNA replication helicase/nuclease 2; minus strand). Cytogenetic location: 10q21.3.
Variant type: single nucleotide variant.
Coding change: c.2054T>C on transcript NM_001080449.3 (MANE Select); coding-DNA position 2054, T replaced by C.
Protein change: p.Ile685Thr; replaces isoleucine 685 with threonine.
Molecular consequence: missense variant.
Genome position (GRCh38, 1-based): chr10:68,430,590, A>G on the plus strand (T>C on the coding strand, the complement: DNA2 is on the minus strand). VCF-style: chr10-68430590-A-G. GRCh37 (hg19) VCF-style: chr10-70190347-A-G.
Other names: short protein forms I685T.
Identifiers: ClinVar variation 3683205 (VCV003683205.2).